The following is an entry in ClinVar:

ClinVar aggregate classification (germline): Uncertain significance (1 of 4 stars; one submission).

Conditions:
Malignant hyperthermia, susceptibility to, 5 (MHS5). Also called: CACNA1S-Related Malignant Hyperthermia Susceptibility. Identifiers: Orphanet 423, MedGen C1866077, MONDO:0011163, OMIM 601887.

Submission:

All of Us Research Program, National Institutes of Health
Classification: Uncertain significance for Malignant hyperthermia, susceptibility to, 5. Last evaluated: 2023-12-13. Review status: criteria provided, single submitter. Criteria: ACMG Guidelines, 2015. Collection method: clinical testing. Allele origin: germline. Inheritance: Autosomal dominant inheritance. Observed: 1 variant allele, 1 heterozygote.
Comment: This missense variant replaces arginine with leucine at codon 1794 of the CACNA1S protein. Computational prediction suggests that this variant may not impact protein structure and function (internally defined REVEL score threshold <= 0.5, PMID: 27666373). To our knowledge, functional studies have not been reported for this variant. This variant has not been reported in individuals affected with CACNA1S-related disorders in the literature. This variant has not been identified in the general population by the Genome Aggregation Database (gnomAD). The available evidence is insufficient to determine the role of this variant in disease conclusively. Therefore, this variant is classified as a Variant of Uncertain Significance.

This study involves interpretation of variants in research participants for the purpose of population health screening. Participant phenotype was not available at the time of variant classification. Additional details can be found in publication PMID: 35346344, PMCID: PMC8962531

NM_000069.3(CACNA1S):c.5381G>T (p.Arg1794Leu)

Gene: CACNA1S (calcium voltage-gated channel subunit alpha1 S; minus strand). Cytogenetic location: 1q32.1.
Variant type: single nucleotide variant.
Coding change: c.5381G>T on transcript NM_000069.3 (MANE Select); coding-DNA position 5381, G replaced by T.
Protein change: p.Arg1794Leu; replaces arginine 1794 with leucine.
Molecular consequence: missense variant.
Genome position (GRCh38, 1-based): chr1:201,040,072, C>A on the plus strand (G>T on the coding strand, the complement: CACNA1S is on the minus strand). VCF-style: chr1-201040072-C-A. GRCh37 (hg19) VCF-style: chr1-201009200-C-A.
Other names: short protein forms R1794L.
Identifiers: ClinVar variation 3074737 (VCV003074737.1), dbSNP rs139945826, ClinGen allele CA344129952.